The following is an entry in ClinVar:

ClinVar aggregate classification (germline): Uncertain significance. Review status: criteria provided, multiple submitters, no conflicts (2 of 4 stars). 4 submissions from 4 submitters: Uncertain significance (4). Last evaluated 2026-06-17.

Conditions:
Inborn genetic diseases. Identifiers: MedGen C0950123, MeSH D030342.
Seizures, benign familial infantile, 3 (BFIS3). Also called: CONVULSIONS, BENIGN FAMILIAL INFANTILE, 3; Familial neonatal seizures. Identifiers: Orphanet 140927, Orphanet 306, MedGen C1843140, MONDO:0011904, OMIM 607745.
Developmental and epileptic encephalopathy, 11 (DEE11). Also called: Early infantile epileptic encephalopathy 11. Identifiers: Orphanet 1934, MedGen C3150987, MONDO:0013388, OMIM 613721.

Allele frequency attached by ClinVar (database versions not stated): gnomAD exomes below 0.00001.
gnomAD v4.1: 2 of 1,613,908 alleles (0.00012%); highest among the groups gnomAD compares: Non-Finnish European, 0.000085%; no homozygotes.

Submissions (4):

Ambry Genetics
Classification: Uncertain significance for Inborn genetic diseases. Last evaluated: 2026-06-17. Review status: criteria provided, single submitter. Criteria: Ambry Variant Classification Scheme 2023. Collection method: clinical testing. Allele origin: germline.

GeneDx
Classification: Uncertain significance. Last evaluated: 2025-05-27. Review status: criteria provided, single submitter. Criteria: GeneDx Variant Classification Process June 2021. Collection method: clinical testing. Allele origin: germline. Affected: yes.
Comment: Not observed at significant frequency in large population cohorts (gnomAD); In silico analysis supports that this missense variant has a deleterious effect on protein structure/function; Has not been previously published as pathogenic or benign to our knowledge; This substitution is predicted to be within the C-terminal cytoplasmic domain

Labcorp Genetics (formerly Invitae), Labcorp
Classification: Uncertain significance for Seizures, benign familial infantile, 3; Developmental and epileptic encephalopathy, 11. Last evaluated: 2024-09-26. Review status: criteria provided, single submitter. Criteria: Invitae Variant Classification Sherloc (09022015). Collection method: clinical testing. Allele origin: germline.
Comment: This sequence change replaces threonine, which is neutral and polar, with methionine, which is neutral and non-polar, at codon 1897 of the SCN2A protein (p.Thr1897Met). This variant is not present in population databases (gnomAD no frequency). This variant has not been reported in the literature in individuals affected with SCN2A-related conditions. ClinVar contains an entry for this variant (Variation ID: 808854). Invitae Evidence Modeling of protein sequence and biophysical properties (such as structural, functional, and spatial information, amino acid conservation, physicochemical variation, residue mobility, and thermodynamic stability) indicates that this missense variant is expected to disrupt SCN2A protein function with a positive predictive value of 95%. In summary, the available evidence is currently insufficient to determine the role of this variant in disease. Therefore, it has been classified as a Variant of Uncertain Significance.

CeGaT Center for Human Genetics Tuebingen
Classification: Uncertain significance. Last evaluated: 2018-11-01. Review status: criteria provided, single submitter. Criteria: CeGaT Center For Human Genetics Tuebingen Variant Classification Criteria Version 2. Collection method: clinical testing. Allele origin: germline. Affected: yes. Observed: 2 variant alleles.

NM_001040142.2(SCN2A):c.5690C>T (p.Thr1897Met)

Gene: SCN2A (sodium voltage-gated channel alpha subunit 2; plus strand). Cytogenetic location: 2q24.3.
Variant type: single nucleotide variant.
Coding change: c.5690C>T on transcript NM_001040142.2 (MANE Select); coding-DNA position 5690, C replaced by T.
Protein change: p.Thr1897Met; replaces threonine 1897 with methionine.
Molecular consequence: missense variant.
Genome position (GRCh38, 1-based): chr2:165,389,496, C>T. VCF-style: chr2-165389496-C-T. GRCh37 (hg19) VCF-style: chr2-166246006-C-T.
Other names: c.5690C>T (NM_021007.2); c.5690C>T, p.Thr1897Met (NM_001040143.2, NM_001371246.1, NM_001371247.1 and 1 more transcripts); short protein forms T1897M.
Identifiers: ClinVar variation 808854 (VCV000808854.46), dbSNP rs1310973051, ClinGen allele CA349039839.
Genomic context (GRCh38, chr2:165,389,496, plus strand): 5'-TACAGATGGAAGAGCGATTCATGGCATCAAACCCCTCCAAAGTCTCTTATGAGCCCATTA[C>T]GACCACGTTGAAACGCAAACAAGAGGAGGTGTCTGCTATTATTATCCAGAGGGCTTACAG-3'
Protein context (NP_001035232.1, residues 1887-1907): NPSKVSYEPI[Thr1897Met]TTLKRKQEEV